The following is an entry in ClinVar:

ClinVar aggregate classification (germline): Benign. Review status: criteria provided, multiple submitters, no conflicts (2 of 4 stars). 2 submissions from 2 submitters: Benign (2). Last evaluated 2018-01-13.

Conditions:
Hyaline fibromatosis syndrome (HFS). Also called: Hyalinosis, Inherited Systemic; HYALINOSIS, SYSTEMIC. Identifiers: Orphanet 2028, Orphanet 498474, MedGen C5574677, MONDO:0009229, OMIM 228600.

Allele frequency attached by ClinVar (database versions not stated): 1000 Genomes Project 0.48582; TOPMed 0.56887; gnomAD 0.56893 and 0.57619.

Submissions (2):

Illumina Laboratory Services, Illumina
Classification: Benign for Hyaline fibromatosis syndrome. Last evaluated: 2018-01-13. Review status: criteria provided, single submitter. Criteria: ICSL Variant Classification Criteria 13 December 2019. Collection method: clinical testing. Allele origin: germline.
Comment: This variant was observed in the ICSL laboratory as part of a predisposition screen in an ostensibly healthy population. It had not been previously curated by ICSL or reported in the Human Gene Mutation Database (HGMD: prior to June 1st, 2018), and was therefore a candidate for classification through an automated scoring system. Utilizing variant allele frequency, disease prevalence and penetrance estimates, and inheritance mode, an automated score was calculated to assess if this variant is too frequent to cause the disease. Based on the score and internal cut-off values, a variant classified as benign is not then subjected to further curation. The score for this variant resulted in a classification of benign for this disease.

Breakthrough Genomics
Classification: Benign. Review status: criteria provided, single submitter. Criteria: ACMG Guidelines, 2015. Collection method: not provided. Allele origin: germline. Inheritance: Autosomal recessive inheritance. Affected: yes.

NM_058172.6(ANTXR2):c.*4272C>T

Gene: ANTXR2 (ANTXR cell adhesion molecule 2; minus strand). Cytogenetic location: 4q21.21.
Variant type: single nucleotide variant.
Coding change: c.*4272C>T on transcript NM_058172.6 (MANE Select); 4272 bases downstream of the stop codon, C replaced by T.
Molecular consequence: 3 prime UTR variant.
Genome position (GRCh38, 1-based): chr4:79,903,157, G>A on the plus strand (C>T on the coding strand, the complement: ANTXR2 is on the minus strand). VCF-style: chr4-79903157-G-A. GRCh37 (hg19) VCF-style: chr4-80824311-G-A.
Other names: c.*4272C>T (NM_001286780.2, NM_001286781.2).
Identifiers: ClinVar variation 904598 (VCV000904598.5), dbSNP rs56708107, ClinGen allele CA15327981.